The following is an entry in ClinVar:

ClinVar aggregate classification (germline): Uncertain significance (1 of 4 stars; one submission).

Conditions:
Inborn genetic diseases. Identifiers: MedGen C0950123, MeSH D030342.

Allele frequency attached by ClinVar (database versions not stated): gnomAD exomes below 0.00001; ExAC 0.00001.
gnomAD v4.1: 1 of 1,541,196 alleles (0.000065%); highest among the groups gnomAD compares: Admixed American, 0.0018%; no homozygotes.

Submission:

Ambry Genetics
Classification: Uncertain significance for Inborn genetic diseases. Last evaluated: 2023-01-23. Review status: criteria provided, single submitter. Criteria: Ambry Variant Classification Scheme 2023. Collection method: clinical testing. Allele origin: germline.
Comment: The p.P1278L variant (also known as c.3833C>T), located in coding exon 13 of the F5 gene, results from a C to T substitution at nucleotide position 3833. The proline at codon 1278 is replaced by leucine, an amino acid with similar properties. This amino acid position is conserved. In addition, this alteration is predicted to be tolerated by in silico analysis. Since supporting evidence is limited at this time, the clinical significance of this alteration remains unclear.

NM_000130.5(F5):c.3833C>T (p.Pro1278Leu)

Gene: F5 (coagulation factor V; minus strand). Cytogenetic location: 1q24.2.
Variant type: single nucleotide variant.
Coding change: c.3833C>T on transcript NM_000130.5 (MANE Select); coding-DNA position 3833, C replaced by T.
Protein change: p.Pro1278Leu; replaces proline 1278 with leucine.
Molecular consequence: missense variant.
Genome position (GRCh38, 1-based): chr1:169,541,257, G>A on the plus strand (C>T on the coding strand, the complement: F5 is on the minus strand). VCF-style: chr1-169541257-G-A. GRCh37 (hg19) VCF-style: chr1-169510495-G-A.
Other names: short protein forms P1278L.
Identifiers: ClinVar variation 2452901 (VCV002452901.2), dbSNP rs759351399, ClinGen allele CA1233813.
Genomic context (GRCh38, chr1:169,541,257, plus strand): 5'-AGTTCTGGAGAGAGGTTTGTCTGGCTGAAGTCTAGAGAAAGGGTTGTATGGCTGAGGTCT[G>A]GAGAAAGGGGCATCTGACCGAGGGCTGGAGAAAGGTTTGTCTGACTGAGTTCTGGAGAGA-3'
Protein context (NP_000121.2, residues 1268-1288): SPALGQMPLS[Pro1278Leu]DLSHTTLSLD